The following is an entry in ClinVar:

ClinVar aggregate classification (germline): Likely benign (0 of 4 stars; one submission).

Conditions:
THSD1-related disorder. Also called: THSD1-related condition.

Allele frequency attached by ClinVar (database versions not stated): TOPMed below 0.00001; ExAC 0.00001; gnomAD exomes 0.00002.
gnomAD v4.1: 24 of 1,614,112 alleles (0.0015%); highest among the groups gnomAD compares: Middle Eastern, 0.082%; no homozygotes.

Submission:

PreventionGenetics, part of Exact Sciences
Classification: Likely benign for THSD1-related condition. Last evaluated: 2019-07-12. Review status: no assertion criteria provided. Collection method: clinical testing. Allele origin: germline.
Comment: This variant is classified as likely benign based on ACMG/AMP sequence variant interpretation guidelines (Richards et al. 2015 PMID: 25741868, with internal and published modifications).

NM_018676.4(THSD1):c.702T>C (p.Ile234=)

Gene: THSD1 (thrombospondin type 1 domain containing 1; minus strand). Cytogenetic location: 13q14.3.
Variant type: single nucleotide variant.
Coding change: c.702T>C on transcript NM_018676.4 (MANE Select); coding-DNA position 702, T replaced by C.
Protein change: p.Ile234=; no amino-acid change (isoleucine 234 retained).
Molecular consequence: synonymous variant.
Genome position (GRCh38, 1-based): chr13:52,397,551, A>G on the plus strand (T>C on the coding strand, the complement: THSD1 is on the minus strand). VCF-style: chr13-52397551-A-G. GRCh37 (hg19) VCF-style: chr13-52971686-A-G.
Other names: c.702T>C, p.Ile234= (NM_199263.3).
Identifiers: ClinVar variation 3049790 (VCV003049790.2), dbSNP rs748443087, ClinGen allele CA6992154.
Genomic context (GRCh38, chr13:52,397,551, plus strand): 5'-GGACTCACATGTGAGTTCTGGCACCATCACCAGTTTGTATCCAAATTTCTGGGCCAGGTC[A>G]ATGGGTCCTGTGGAGGTAATGACTGAGTCTCGCCCAAGCAGCTTCAGCACCACGGTGACA-3'
Protein context (NP_061146.1, residues 224-244): RDSVITSTGP[Ile234=]DLAQKFGYKL